The following is an entry in ClinVar:

NM_017780.4(CHD7):c.763C>T (p.Gln255Ter)

Gene: CHD7 (chromodomain helicase DNA binding protein 7; plus strand). Cytogenetic location: 8q12.2.
Variant type: single nucleotide variant.
Coding change: c.763C>T on transcript NM_017780.4 (MANE Select); coding-DNA position 763, C replaced by T.
Protein change: p.Gln255Ter; replaces glutamine 255 with a stop codon.
Molecular consequence: nonsense.
Genome position (GRCh38, 1-based): chr8:60,742,195, C>T. VCF-style: chr8-60742195-C-T. GRCh37 (hg19) VCF-style: chr8-61654754-C-T.
Other names: c.763C>T, p.Gln255Ter (NM_001316690.1); short protein forms Q255*.
Identifiers: ClinVar variation 4855607 (VCV004855607.1).

ClinVar aggregate classification (germline): Pathogenic (1 of 4 stars; one submission).

Conditions:
CHD7-related CHARGE syndrome. Identifiers: MedGen CN380413, MONDO:1010178, OMIM 214800.

Submission:

3billion
Classification: Pathogenic for CHD7-related CHARGE syndrome. Last evaluated: 2025-12-18. Review status: criteria provided, single submitter. Criteria: ACMG Guidelines, 2015. Collection method: clinical testing. Allele origin: germline. Affected: yes.
Comment: The variant is not observed in the gnomAD v4.1.0 dataset. Predicted Consequence/Location: Stop-gained (nonsense): predicted to result in a loss or disruption of normal protein function through nonsense-mediated decay (NMD) or protein truncation. Multiple pathogenic variants are reported downstream of the variant. The variant has been reported to be associated with CHD7-related disorder (PMID: 16169932). Therefore, this variant is classified as Pathogenic according to the recommendation of ACMG/AMP guideline.

Literature cited by the submitters: PubMed 16169932.